The following is an entry in ClinVar:

NM_001905.4(CTPS1):c.1707C>G (p.Asp569Glu)

Gene: CTPS1 (CTP synthase 1; plus strand). Cytogenetic location: 1p34.2.
Variant type: single nucleotide variant.
Coding change: c.1707C>G on transcript NM_001905.4 (MANE Select); coding-DNA position 1707, C replaced by G.
Protein change: p.Asp569Glu; replaces aspartic acid 569 with glutamic acid.
Molecular consequence: missense variant. On other transcripts: non-coding transcript variant (1).
Genome position (GRCh38, 1-based): chr1:41,010,176, C>G. VCF-style: chr1-41010176-C-G. GRCh37 (hg19) VCF-style: chr1-41475848-C-G.
Other names: c.1239C>G, p.Asp413Glu (NM_001301237.2); short protein forms D413E, D569E.
Identifiers: ClinVar variation 4776189 (VCV004776189.1).

ClinVar aggregate classification (germline): Uncertain significance (1 of 4 stars; one submission).

Conditions:
Combined immunodeficiency due to CTPS1 deficiency. Also called: Severe combined immunodeficiency due to CTPS1 deficiency; Immunodeficiency 24. Identifiers: Orphanet 420573, MedGen C4014617, MONDO:0014391, OMIM 615897.

Submission:

Labcorp Genetics (formerly Invitae), Labcorp
Classification: Uncertain significance for Combined immunodeficiency due to CTPS1 deficiency. Last evaluated: 2025-08-30. Review status: criteria provided, single submitter. Criteria: Invitae Variant Classification Sherloc (09022015). Collection method: clinical testing. Allele origin: germline.
Comment: This sequence change replaces aspartic acid, which is acidic and polar, with glutamic acid, which is acidic and polar, at codon 569 of the CTPS1 protein (p.Asp569Glu). This variant is not present in population databases (gnomAD no frequency). This variant has not been reported in the literature in individuals affected with CTPS1-related conditions. An algorithm developed to predict the effect of missense changes on protein structure and function (PolyPhen-2) suggests that this variant is likely to be tolerated. In summary, the available evidence is currently insufficient to determine the role of this variant in disease. Therefore, it has been classified as a Variant of Uncertain Significance.